The following is an entry in ClinVar:

ClinVar aggregate classification (germline): Uncertain significance (1 of 4 stars; one submission).

Conditions:
RASopathy. Also called: rasopathies; Noonan spectrum disorder. Identifiers: Orphanet 536391, MedGen C5555857, MONDO:0021060.

Allele frequency attached by ClinVar (database versions not stated): gnomAD 0.00001; TOPMed below 0.00001.
gnomAD v4.1: 5 of 1,613,492 alleles (0.00031%); highest among the groups gnomAD compares: African/African-American, 0.0013%; no homozygotes.

Submission:

Labcorp Genetics (formerly Invitae), Labcorp
Classification: Uncertain significance for RASopathy. Last evaluated: 2025-07-13. Review status: criteria provided, single submitter. Criteria: Invitae Variant Classification Sherloc (09022015). Collection method: clinical testing. Allele origin: germline.
Comment: This sequence change replaces alanine, which is neutral and non-polar, with threonine, which is neutral and polar, at codon 393 of the PTPN11 protein (p.Ala393Thr). This variant is present in population databases (no rsID available, gnomAD 0.03%). This variant has not been reported in the literature in individuals affected with PTPN11-related conditions. ClinVar contains an entry for this variant (Variation ID: 1993564). Invitae Evidence Modeling of protein sequence and biophysical properties (such as structural, functional, and spatial information, amino acid conservation, physicochemical variation, residue mobility, and thermodynamic stability) indicates that this missense variant is not expected to disrupt PTPN11 protein function with a negative predictive value of 80%. In summary, the available evidence is currently insufficient to determine the role of this variant in disease. Therefore, it has been classified as a Variant of Uncertain Significance.

NM_002834.5(PTPN11):c.1177G>A (p.Ala393Thr)

Gene: PTPN11 (protein tyrosine phosphatase non-receptor type 11; plus strand). Cytogenetic location: 12q24.13.
Variant type: single nucleotide variant.
Coding change: c.1177G>A on transcript NM_002834.5 (MANE Select); coding-DNA position 1177, G replaced by A.
Protein change: p.Ala393Thr; replaces alanine 393 with threonine.
Molecular consequence: missense variant.
Genome position (GRCh38, 1-based): chr12:112,482,158, G>A. VCF-style: chr12-112482158-G-A. GRCh37 (hg19) VCF-style: chr12-112919962-G-A.
Other names: c.1177G>A, p.Ala393Thr (NM_001330437.2, NM_080601.3); c.1174G>A, p.Ala392Thr (NM_001374625.1); short protein forms A392T, A393T.
Identifiers: ClinVar variation 1993564 (VCV001993564.4), dbSNP rs1214118543, ClinGen allele CA386775887.